The following is an entry in ClinVar:

NM_000138.5(FBN1):c.165-1G>C

Gene: FBN1 (fibrillin 1; minus strand). Cytogenetic location: 15q21.1.
Variant type: single nucleotide variant.
Coding change: c.165-1G>C on transcript NM_000138.5 (MANE Select); the canonical splice acceptor site of the intron before coding-DNA position 165, G replaced by C.
Molecular consequence: splice acceptor variant.
Genome position (GRCh38, 1-based): chr15:48,613,093, C>G on the plus strand (G>C on the coding strand, the complement: FBN1 is on the minus strand). VCF-style: chr15-48613093-C-G. GRCh37 (hg19) VCF-style: chr15-48905290-C-G.
Other names: c.165-1G>C (NM_001406716.1, NM_001406717.1).
Identifiers: ClinVar variation 2952158 (VCV002952158.3), dbSNP rs2505779337, ClinGen allele CA392448537.

ClinVar aggregate classification (germline): Pathogenic (1 of 4 stars; one submission).

Conditions:
Marfan syndrome (MFS). Also called: MARFAN SYNDROME, TYPE I; Marfan syndrome type 1; Marfan's syndrome; Marfan syndrome, classic; FBN1-Related Marfan Syndrome. Identifiers: Orphanet 284963, Orphanet 558, MedGen C0024796, MONDO:0007947, OMIM 154700.
Familial thoracic aortic aneurysm and aortic dissection (TAAD). Also called: Thoracic aortic aneurysms and dissections. Identifiers: Orphanet 91387, MedGen C4707243, MONDO:0019625.

Submission:

Labcorp Genetics (formerly Invitae), Labcorp
Classification: Pathogenic for Marfan syndrome; Familial thoracic aortic aneurysm and aortic dissection. Last evaluated: 2023-09-22. Review status: criteria provided, single submitter. Criteria: Invitae Variant Classification Sherloc (09022015). Collection method: clinical testing. Allele origin: germline.
Comment: Algorithms developed to predict the effect of sequence changes on RNA splicing suggest that this variant may disrupt the consensus splice site. Disruption of this splice site has been observed in individuals with clinical features of FBN1-related conditions (PMID: 12403246; Invitae). This variant is not present in population databases (gnomAD no frequency). This sequence change affects an acceptor splice site in intron 2 of the FBN1 gene. It is expected to disrupt RNA splicing. Variants that disrupt the donor or acceptor splice site typically lead to a loss of protein function (PMID: 16199547), and loss-of-function variants in FBN1 are known to be pathogenic (PMID: 17657824, 19293843). For these reasons, this variant has been classified as Pathogenic.

Literature cited by the submitters: PubMed 12403246; PubMed 16199547; PubMed 17657824; PubMed 19293843.